The following is an entry in ClinVar:

NM_014000.3(VCL):c.1856C>T (p.Ala619Val)

Gene: VCL (vinculin; plus strand). Cytogenetic location: 10q22.2.
Variant type: single nucleotide variant.
Coding change: c.1856C>T on transcript NM_014000.3 (MANE Select); coding-DNA position 1856, C replaced by T.
Protein change: p.Ala619Val; replaces alanine 619 with valine.
Molecular consequence: missense variant.
Genome position (GRCh38, 1-based): chr10:74,097,316, C>T. VCF-style: chr10-74097316-C-T. GRCh37 (hg19) VCF-style: chr10-75857074-C-T.
Other names: c.1856C>T, p.Ala619Val (NM_003373.4); short protein forms A619V.
Identifiers: ClinVar variation 568183 (VCV000568183.19), dbSNP rs771628544, ClinGen allele CA5563094.
Genomic context (GRCh38, chr10:74,097,316, plus strand): 5'-TCAGCGATACCACAACTCCCATCAAGCTGTTGGCAGTGGCAGCCACGGCGCCTCCTGATG[C>T]GCCTAACAGGGAAGAGGTGGGTATCTGAGGTCTTCCATTTTTCTGTCAGCCTGTGCTATA-3'
Protein context (NP_054706.1, residues 609-629): LAVAATAPPD[Ala619Val]PNREEVFDER

ClinVar aggregate classification (germline): Uncertain significance. Review status: criteria provided, multiple submitters, no conflicts (2 of 4 stars). 4 submissions from 4 submitters: Uncertain significance (4). Last evaluated 2025-10-29.

Conditions:
Dilated cardiomyopathy 1W (CMD1W). Identifiers: Orphanet 154, MedGen C1969639, MONDO:0012667, OMIM 611407.
Cardiovascular phenotype. Identifiers: MedGen CN230736.

Allele frequency attached by ClinVar (database versions not stated): ExAC 0.00002; TOPMed 0.00004.
gnomAD v4.1: 47 of 1,613,314 alleles (0.0029%); highest among the groups gnomAD compares: African/African-American, 0.0067%; no homozygotes.

Submissions (4):

Ambry Genetics
Classification: Uncertain significance for Cardiovascular phenotype. Last evaluated: 2025-10-29. Review status: criteria provided, single submitter. Criteria: Ambry Variant Classification Scheme 2023. Collection method: clinical testing. Allele origin: germline.
Comment: The p.A619V variant (also known as c.1856C>T), located in coding exon 13 of the VCL gene, results from a C to T substitution at nucleotide position 1856. The alanine at codon 619 is replaced by valine, an amino acid with similar properties. This variant was detected in a cardiomyopathy/arrhythmia genetic testing cohorts; however, clinical details were limited, and additional cardiac variants were detected in some cases. (Haskell GT et al, Circ Cardiovasc Genet. 2017 Jun;10; van Lint FHM et al, Neth Heart J. 2019 Jun;27:304-309). This amino acid position is well conserved in available vertebrate species. In addition, the in silico prediction for this alteration is inconclusive. Since supporting evidence is limited at this time, the clinical significance of this alteration remains unclear.

GeneDx
Classification: Uncertain significance. Last evaluated: 2024-03-15. Review status: criteria provided, single submitter. Criteria: GeneDx Variant Classification Process June 2021. Collection method: clinical testing. Allele origin: germline. Affected: yes.
Comment: Not observed at significant frequency in large population cohorts (gnomAD); In silico analysis supports that this missense variant does not alter protein structure/function; This variant is associated with the following publications: (PMID: 28611029)

Labcorp Genetics (formerly Invitae), Labcorp
Classification: Uncertain significance for Dilated cardiomyopathy 1W. Last evaluated: 2023-07-05. Review status: criteria provided, single submitter. Criteria: Invitae Variant Classification Sherloc (09022015). Collection method: clinical testing. Allele origin: germline.
Comment: This sequence change replaces alanine, which is neutral and non-polar, with valine, which is neutral and non-polar, at codon 619 of the VCL protein (p.Ala619Val). In summary, the available evidence is currently insufficient to determine the role of this variant in disease. Therefore, it has been classified as a Variant of Uncertain Significance. An algorithm developed to predict the effect of missense changes on protein structure and function (PolyPhen-2) suggests that this variant is likely to be disruptive. ClinVar contains an entry for this variant (Variation ID: 568183). This missense change has been observed in individual(s) with dilated cardiomyopathy (PMID: 28611029). This variant is present in population databases (rs771628544, gnomAD 0.01%).

Illumina Laboratory Services, Illumina
Classification: Uncertain significance for Dilated cardiomyopathy 1W. Last evaluated: 2017-08-28. Review status: criteria provided, single submitter. Criteria: ICSL Variant Classification Criteria 13 December 2019. Collection method: clinical testing. Allele origin: germline.
Comment: This variant was observed as part of a predisposition screen in an ostensibly healthy population. A literature search was performed for the gene, cDNA change, and amino acid change (where applicable). Publications were found based on this search. However, the evidence from the literature, in combination with allele frequency data from public databases where available, was not sufficient to rule this variant in or out of causing disease. Therefore, this variant is classified as a variant of unknown significance.

Literature cited by the submitters: PubMed 28611029 (cited by 3 submitters); PubMed 30847666 (cited by Ambry Genetics).